The following is an entry in ClinVar:

NM_006445.4(PRPF8):c.6373G>A (p.Ala2125Thr)

Gene: PRPF8 (pre-mRNA processing factor 8; minus strand). Cytogenetic location: 17p13.3.
Variant type: single nucleotide variant.
Coding change: c.6373G>A on transcript NM_006445.4 (MANE Select); coding-DNA position 6373, G replaced by A.
Protein change: p.Ala2125Thr; replaces alanine 2125 with threonine.
Molecular consequence: missense variant.
Genome position (GRCh38, 1-based): chr17:1,651,785, C>T on the plus strand (G>A on the coding strand, the complement: PRPF8 is on the minus strand). VCF-style: chr17-1651785-C-T. GRCh37 (hg19) VCF-style: chr17-1555079-C-T.
Other names: short protein forms A2125T.
Identifiers: ClinVar variation 4769729 (VCV004769729.1).

ClinVar aggregate classification (germline): Uncertain significance (1 of 4 stars; one submission).

Submission:

Labcorp Genetics (formerly Invitae), Labcorp
Classification: Uncertain significance. Last evaluated: 2025-08-02. Review status: criteria provided, single submitter. Criteria: Invitae Variant Classification Sherloc (09022015). Collection method: clinical testing. Allele origin: germline.
Comment: This sequence change replaces alanine, which is neutral and non-polar, with threonine, which is neutral and polar, at codon 2125 of the PRPF8 protein (p.Ala2125Thr). This variant is not present in population databases (gnomAD no frequency). This variant has not been reported in the literature in individuals affected with PRPF8-related conditions. Invitae Evidence Modeling of protein sequence and biophysical properties (such as structural, functional, and spatial information, amino acid conservation, physicochemical variation, residue mobility, and thermodynamic stability) has been performed for this missense variant. However, the output from this modeling did not meet the statistical confidence thresholds required to predict the impact of this variant on PRPF8 protein function. In summary, the available evidence is currently insufficient to determine the role of this variant in disease. Therefore, it has been classified as a Variant of Uncertain Significance.